The following is an entry in ClinVar:

ClinVar aggregate classification (germline): Conflicting classifications of pathogenicity. Review status: criteria provided, conflicting classifications (1 of 4 stars). 2 submissions from 2 submitters: Uncertain significance (1); Likely benign (1). Last evaluated 2026-02-01.

Conditions:
FG syndrome (FGS). Identifiers: MedGen C0220769, MONDO:0002010.

Allele frequency attached by ClinVar (database versions not stated): gnomAD exomes below 0.00001; gnomAD 0.00001; TOPMed 0.00003.
gnomAD v4.1: 4 of 1,207,988 alleles (0.00033%); highest among the groups gnomAD compares: African/African-American, 0.0071%; no homozygotes.

Submissions (2):

CeGaT Center for Human Genetics Tuebingen
Classification: Likely benign. Last evaluated: 2026-02-01. Review status: criteria provided, single submitter. Criteria: CeGaT Center For Human Genetics Tuebingen Variant Classification Criteria Version 2. Collection method: clinical testing. Allele origin: germline. Affected: yes. Observed: 1 variant allele.
Comment: MED12: PM2, BP4, BS2

Labcorp Genetics (formerly Invitae), Labcorp
Classification: Uncertain significance for FG syndrome. Last evaluated: 2024-12-24. Review status: criteria provided, single submitter. Criteria: Invitae Variant Classification Sherloc (09022015). Collection method: clinical testing. Allele origin: germline.
Comment: This sequence change replaces valine, which is neutral and non-polar, with alanine, which is neutral and non-polar, at codon 710 of the MED12 protein (p.Val710Ala). This variant is not present in population databases (gnomAD no frequency). This variant has not been reported in the literature in individuals affected with MED12-related conditions. ClinVar contains an entry for this variant (Variation ID: 854946). Invitae Evidence Modeling of protein sequence and biophysical properties (such as structural, functional, and spatial information, amino acid conservation, physicochemical variation, residue mobility, and thermodynamic stability) indicates that this missense variant is not expected to disrupt MED12 protein function with a negative predictive value of 95%. In summary, the available evidence is currently insufficient to determine the role of this variant in disease. Therefore, it has been classified as a Variant of Uncertain Significance.

NM_005120.3(MED12):c.2129T>C (p.Val710Ala)

Gene: MED12 (mediator complex subunit 12; plus strand). Cytogenetic location: Xq13.1.
Variant type: single nucleotide variant.
Coding change: c.2129T>C on transcript NM_005120.3 (MANE Select); coding-DNA position 2129, T replaced by C.
Protein change: p.Val710Ala; replaces valine 710 with alanine.
Molecular consequence: missense variant.
Genome position (GRCh38, 1-based): chrX:71,125,049, T>C. VCF-style: chrX-71125049-T-C. GRCh37 (hg19) VCF-style: chrX-70344899-T-C.
Other names: short protein forms V710A.
Identifiers: ClinVar variation 854946 (VCV000854946.14), dbSNP rs1187273369, ClinGen allele CA413511296.
Genomic context (GRCh38, chrX:71,125,049, plus strand): 5'-CTATGCCCTGTGAGGGGAAGGGCAGTCCATCCCCTGAGAAGCCAGATGTCGAGAAGGAGG[T>C]GAAGCCCCCACCCAAGGAGAAGATTGAAGGGACCCTTGGGGTTCTTTACGACCAGCCACG-3'
Protein context (NP_005111.2, residues 700-720): SPEKPDVEKE[Val710Ala]KPPPKEKIEG